The following is an entry in ClinVar:

ClinVar aggregate classification (germline): Uncertain significance. Review status: criteria provided, multiple submitters, no conflicts (2 of 4 stars). 5 submissions from 5 submitters: Uncertain significance (5). Last evaluated 2026-10-01.

Conditions:
Renal cell carcinoma. Identifiers: Orphanet 217071, MedGen C0007134, MeSH D002292, MONDO:0005086, HP:0005584.
Hereditary cancer-predisposing syndrome. Also called: Hereditary neoplastic syndrome; Neoplastic Syndromes, Hereditary; Tumor predisposition; Hereditary Cancer Syndrome. Identifiers: Orphanet 140162, MedGen C0027672, MeSH D009386, MONDO:0015356.
MET-related disorder. Also called: MET-related condition.
Papillary renal cell carcinoma type 1 (RCCP1). Also called: RENAL CELL CARCINOMA, PAPILLARY, 1, SOMATIC; Renal adenocarcinoma; Renal cell carcinoma 1; Renal cell carcinoma, somatic. Identifiers: Orphanet 47044, MedGen C1336839, OMIM 605074, HP:0011797.

Allele frequency attached by ClinVar (database versions not stated): TOPMed 0.00001; gnomAD exomes 0.00002.
gnomAD v4.1: 28 of 1,614,122 alleles (0.0017%); highest among the groups gnomAD compares: Non-Finnish European, 0.0024%; no homozygotes.

Submissions (5):

St. Jude Molecular Pathology, St. Jude Children's Research Hospital
Classification: Uncertain significance for Papillary renal cell carcinoma type 1. Last evaluated: 2026-10-01. Review status: criteria provided, single submitter. Criteria: St. Jude Assertion Criteria 2020. Collection method: clinical testing. Allele origin: germline.
Comment: The MET c.811G>A p.(Ala271Thr)Ã¢ € ¯ missense change is absent in gnomAD v2.1.1. The in silico tool REVEL predicts a benign effect on protein function, but to our knowledge this prediction has not been conf irmed by functional studies. To our knowledge, this variant has not been reported in individuals with hereditary papillary renal cell carcinoma. In summary, the evidence currently available is insufficient to determine the clinical significance of this v ariant. It has therefore been classified as of uncertain significance.

PreventionGenetics, part of Exact Sciences
Classification: Uncertain significance for MET-related condition. Last evaluated: 2026-06-16. Review status: criteria provided, single submitter. Criteria: ACMG Guidelines, 2015. Collection method: clinical testing. Allele origin: germline.
Comment: The MET c.811G>A variant is predicted to result in the amino acid substitution p.Ala271Thr. To our knowledge, this variant has not been reported in the literature or in a large population database (gnomAD), indicating this variant is rare. At this time, the clinical significance of this variant is uncertain due to the absence of conclusive functional and genetic evidence.

Labcorp Genetics (formerly Invitae), Labcorp
Classification: Uncertain significance for Renal cell carcinoma. Last evaluated: 2026-01-25. Review status: criteria provided, single submitter. Criteria: Invitae Variant Classification Sherloc (09022015). Collection method: clinical testing. Allele origin: germline.
Comment: This sequence change replaces alanine, which is neutral and non-polar, with threonine, which is neutral and polar, at codon 271 of the MET protein (p.Ala271Thr). This variant is not present in population databases (gnomAD no frequency). This variant has not been reported in the literature in individuals affected with MET-related conditions. ClinVar contains an entry for this variant (Variation ID: 836192). Invitae Evidence Modeling of protein sequence and biophysical properties (such as structural, functional, and spatial information, amino acid conservation, physicochemical variation, residue mobility, and thermodynamic stability) indicates that this missense variant is not expected to disrupt MET protein function with a negative predictive value of 80%. In summary, the available evidence is currently insufficient to determine the role of this variant in disease. Therefore, it has been classified as a Variant of Uncertain Significance.

Ambry Genetics
Classification: Uncertain significance for Hereditary cancer-predisposing syndrome. Last evaluated: 2025-11-26. Review status: criteria provided, single submitter. Criteria: Ambry Variant Classification Scheme 2023. Collection method: clinical testing. Allele origin: germline.

Quest Diagnostics Nichols Institute San Juan Capistrano
Classification: Uncertain significance. Last evaluated: 2025-07-02. Review status: criteria provided, single submitter. Criteria: Quest Diagnostics criteria. Collection method: clinical testing. Allele origin: unknown.

NM_000245.4(MET):c.811G>A (p.Ala271Thr)

Gene: MET (MET proto-oncogene, receptor tyrosine kinase; plus strand). Cytogenetic location: 7q31.2.
Variant type: single nucleotide variant.
Coding change: c.811G>A on transcript NM_000245.4 (MANE Select); coding-DNA position 811, G replaced by A.
Protein change: p.Ala271Thr; replaces alanine 271 with threonine.
Molecular consequence: missense variant. On other transcripts: intron variant (1).
Genome position (GRCh38, 1-based): chr7:116,699,895, G>A. VCF-style: chr7-116699895-G-A. GRCh37 (hg19) VCF-style: chr7-116339949-G-A.
Other names: c.811G>A (NM_001127500.2); c.811G>A, p.Ala271Thr (NM_001127500.3, NM_001324401.3); c.-91+27318G>A (NM_001324402.2); short protein forms A271T.
Identifiers: ClinVar variation 836192 (VCV000836192.15), dbSNP rs1162540199, ClinGen allele CA368969903.